The following is an entry in ClinVar:

ClinVar aggregate classification (germline): Uncertain significance. Review status: criteria provided, multiple submitters, no conflicts (2 of 4 stars). 2 submissions from 2 submitters: Uncertain significance (2). Last evaluated 2023-12-21.

Conditions:
Cardiovascular phenotype. Identifiers: MedGen CN230736.

Allele frequency attached by ClinVar (database versions not stated): gnomAD exomes 0.00002.
gnomAD v4.1: 10 of 1,614,196 alleles (0.00062%); highest among the groups gnomAD compares: East Asian, 0.022%; no homozygotes.

Submissions (2):

GeneDx
Classification: Uncertain significance. Last evaluated: 2023-12-21. Review status: criteria provided, single submitter. Criteria: GeneDx Variant Classification Process June 2021. Collection method: clinical testing. Allele origin: germline. Affected: yes.
Comment: Not observed at significant frequency in large population cohorts (gnomAD); In silico analysis supports that this missense variant does not alter protein structure/function; Has not been previously published as pathogenic or benign to our knowledge

Ambry Genetics
Classification: Uncertain significance for Cardiovascular phenotype. Last evaluated: 2022-06-27. Review status: criteria provided, single submitter. Criteria: Ambry Variant Classification Scheme 2023. Collection method: clinical testing. Allele origin: germline.
Comment: The p.N254K variant (also known as c.762C>A), located in coding exon 5 of the LDB3 gene, results from a C to A substitution at nucleotide position 762. The asparagine at codon 254 is replaced by lysine, an amino acid with similar properties. This amino acid position is conserved. In addition, this alteration is predicted to be tolerated by in silico analysis. Since supporting evidence is limited at this time, the clinical significance of this alteration remains unclear.

NM_007078.3(LDB3):c.762C>A (p.Asn254Lys)

Gene: LDB3 (LIM domain binding 3; plus strand). Cytogenetic location: 10q23.2.
Variant type: single nucleotide variant.
Coding change: c.762C>A on transcript NM_007078.3 (MANE Select); coding-DNA position 762, C replaced by A.
Protein change: p.Asn254Lys; replaces asparagine 254 with lysine.
Molecular consequence: missense variant.
Genome position (GRCh38, 1-based): chr10:86,691,968, C>A. VCF-style: chr10-86691968-C-A. GRCh37 (hg19) VCF-style: chr10-88451725-C-A.
Other names: c.621C>A, p.Asn207Lys (NM_001080114.2, NM_001080116.1, NM_001368066.1 and 2 more transcripts); c.762C>A, p.Asn254Lys (NM_001080115.2, NM_001368063.1, NM_001368064.1 and 1 more transcripts); c.966C>A, p.Asn322Lys (NM_001171610.2, NM_001171611.2); short protein forms N207K, N254K, N322K.
Identifiers: ClinVar variation 1759874 (VCV001759874.3), dbSNP rs1845784706, ClinGen allele CA377443063.